The following is an entry in ClinVar:

ClinVar aggregate classification (germline): Likely pathogenic (1 of 4 stars; one submission).

Conditions:
Sulfocysteinuria. Identifiers: MedGen C2931746, HP:0032350.

Submission:

Women's Health and Genetics/Laboratory Corporation of America, LabCorp
Classification: Likely pathogenic for Sulfocysteinuria. Last evaluated: 2026-05-13. Review status: criteria provided, single submitter. Criteria: LabCorp Variant Classification Summary - May 2015. Collection method: clinical testing. Allele origin: germline.
Comment: Variant summary: SUOX c.884G>A (p.Gly295Glu) results in a non-conservative amino acid change in the encoded protein sequence. Algorithms developed to predict the effect of missense changes on protein structure and function all suggest that this variant is likely to be disruptive. The frequency data for this variant in gnomAD is considered unreliable, as metrics indicate poor data quality at this position. c.884G>A has been observed in two unrelated homozygous individuals affected with Sulfite Oxidase Deficiency (Zaki_2016). These data indicate that the variant is likely to be associated with disease. To our knowledge, no experimental evidence demonstrating an impact on protein function has been reported. The following publication have been ascertained in the context of this evaluation (PMID: 27289259). No submitters have cited clinical-significance assessments for this variant to ClinVar. Based on the evidence outlined above, the variant was classified as likely pathogenic.

Literature cited by the submitters: PubMed 27289259.

NM_001032386.2(SUOX):c.884G>A (p.Gly295Glu)

Gene: SUOX (sulfite oxidase; plus strand). Cytogenetic location: 12q13.2.
Variant type: single nucleotide variant.
Coding change: c.884G>A on transcript NM_001032386.2 (MANE Select); coding-DNA position 884, G replaced by A.
Protein change: p.Gly295Glu; replaces glycine 295 with glutamic acid.
Molecular consequence: missense variant.
Genome position (GRCh38, 1-based): chr12:56,004,273, G>A. VCF-style: chr12-56004273-G-A. GRCh37 (hg19) VCF-style: chr12-56398057-G-A.
Other names: c.884G>A, p.Gly295Glu (NM_000456.3, NM_001032387.2); short protein forms G295E.
Identifiers: ClinVar variation 4853152 (VCV004853152.1).
Genomic context (GRCh38, chr12:56,004,273, plus strand): 5'-TCAAAGAAGTAAAAGGTCTGGAGTGGAGAACAGGAGCCATCAGCACTGCACGCTGGGCTG[G>A]GGCACGGCTCTGTGATGTGTTAGCCCAGGCTGGCCACCAACTCTGTGAAACTGAGGCCCA-3'
Protein context (NP_001027558.1, residues 285-305): TGAISTARWA[Gly295Glu]ARLCDVLAQA